The following is an entry in ClinVar:

NM_003327.4(TNFRSF4):c.676G>A (p.Gly226Arg)

Gene: TNFRSF4 (TNF receptor superfamily member 4; minus strand). Cytogenetic location: 1p36.33.
Variant type: single nucleotide variant.
Coding change: c.676G>A on transcript NM_003327.4 (MANE Select); coding-DNA position 676, G replaced by A.
Protein change: p.Gly226Arg; replaces glycine 226 with arginine.
Molecular consequence: missense variant.
Genome position (GRCh38, 1-based): chr1:1,211,791, C>T on the plus strand (G>A on the coding strand, the complement: TNFRSF4 is on the minus strand). VCF-style: chr1-1211791-C-T. GRCh37 (hg19) VCF-style: chr1-1147171-C-T.
Other names: c.676G>A, p.Gly226Arg (NM_001410709.1); short protein forms G226R.
Identifiers: ClinVar variation 4725831 (VCV004725831.1).

ClinVar aggregate classification (germline): Uncertain significance (1 of 4 stars; one submission).

Conditions:
Combined immunodeficiency due to OX40 deficiency. Also called: OX40 DEFICIENCY; Immunodeficiency 16. Identifiers: Orphanet 431149, MedGen C3810053, MONDO:0014268, OMIM 615593.

Submission:

Labcorp Genetics (formerly Invitae), Labcorp
Classification: Uncertain significance for Combined immunodeficiency due to OX40 deficiency. Last evaluated: 2025-06-04. Review status: criteria provided, single submitter. Criteria: Invitae Variant Classification Sherloc (09022015). Collection method: clinical testing. Allele origin: germline.
Comment: This sequence change replaces glycine, which is neutral and non-polar, with arginine, which is basic and polar, at codon 226 of the TNFRSF4 protein (p.Gly226Arg). This variant is not present in population databases (gnomAD no frequency). This variant has not been reported in the literature in individuals affected with TNFRSF4-related conditions. Invitae Evidence Modeling of protein sequence and biophysical properties (such as structural, functional, and spatial information, amino acid conservation, physicochemical variation, residue mobility, and thermodynamic stability) indicates that this missense variant is expected to disrupt TNFRSF4 protein function with a positive predictive value of 80%. In summary, the available evidence is currently insufficient to determine the role of this variant in disease. Therefore, it has been classified as a Variant of Uncertain Significance.